The following is an entry in ClinVar:

NM_002519.3(NPAT):c.3233G>T (p.Gly1078Val)

Gene: NPAT (nuclear protein, coactivator of histone transcription; minus strand). Cytogenetic location: 11q22.3.
Variant type: single nucleotide variant.
Coding change: c.3233G>T on transcript NM_002519.3 (MANE Select); coding-DNA position 3233, G replaced by T.
Protein change: p.Gly1078Val; replaces glycine 1078 with valine.
Molecular consequence: missense variant.
Genome position (GRCh38, 1-based): chr11:108,161,853, C>A on the plus strand (G>T on the coding strand, the complement: NPAT is on the minus strand). VCF-style: chr11-108161853-C-A. GRCh37 (hg19) VCF-style: chr11-108032580-C-A.
Other names: c.3254G>T, p.Gly1085Val (NM_001321307.1); short protein forms G1085V, G1078V.
Identifiers: ClinVar variation 2008147 (VCV002008147.4), dbSNP rs890729349, ClinGen allele CA228374145.

ClinVar aggregate classification (germline): Uncertain significance (1 of 4 stars; one submission).

gnomAD v4.1: 1 of 1,614,026 alleles (0.000062%); highest among the groups gnomAD compares: Non-Finnish European, 0.000085%; no homozygotes.

Submission:

Labcorp Genetics (formerly Invitae), Labcorp
Classification: Uncertain significance. Last evaluated: 2022-09-02. Review status: criteria provided, single submitter. Criteria: Invitae Variant Classification Sherloc (09022015). Collection method: clinical testing. Allele origin: germline.
Comment: In summary, the available evidence is currently insufficient to determine the role of this variant in disease. Therefore, it has been classified as a Variant of Uncertain Significance. Algorithms developed to predict the effect of sequence changes on RNA splicing suggest that this variant may create or strengthen a splice site. Algorithms developed to predict the effect of missense changes on protein structure and function are either unavailable or do not agree on the potential impact of this missense change (SIFT: "Deleterious"; PolyPhen-2: "Benign"; Align-GVGD: "Class C0"). This variant has not been reported in the literature in individuals affected with NPAT-related conditions. This variant is not present in population databases (gnomAD no frequency). This sequence change replaces glycine, which is neutral and non-polar, with valine, which is neutral and non-polar, at codon 1078 of the NPAT protein (p.Gly1078Val).